The following is an entry in ClinVar:

ClinVar aggregate classification (germline): Likely benign. Review status: criteria provided, multiple submitters, no conflicts (2 of 4 stars). 2 submissions from 2 submitters: Likely benign (2). Last evaluated 2025-03-15.

Conditions:
Early-infantile DEE. Also called: Early infantile epileptic encephalopathy with suppression bursts; Early infantile epileptic encephalopathy; Ohtahara syndrome. Identifiers: Orphanet 1934, MedGen C0393706, MONDO:0800491.

Allele frequency attached by ClinVar (database versions not stated): gnomAD exomes 0.00001; gnomAD 0.00002; TOPMed 0.00002.
gnomAD v4.1: 20 of 1,613,436 alleles (0.0012%); highest among the groups gnomAD compares: East Asian, 0.0089%; no homozygotes.

Submissions (2):

Labcorp Genetics (formerly Invitae), Labcorp
Classification: Likely benign for Early-infantile DEE. Last evaluated: 2025-03-15. Review status: criteria provided, single submitter. Criteria: Invitae Variant Classification Sherloc (09022015). Collection method: clinical testing. Allele origin: germline.

CeGaT Center for Human Genetics Tuebingen
Classification: Likely benign. Last evaluated: 2024-11-01. Review status: criteria provided, single submitter. Criteria: CeGaT Center For Human Genetics Tuebingen Variant Classification Criteria Version 2. Collection method: clinical testing. Allele origin: germline. Affected: yes. Observed: 1 variant allele.
Comment: SCN8A: BP4, BP7

NM_001330260.2(SCN8A):c.2448T>C (p.Gly816=)

Gene: SCN8A (sodium voltage-gated channel alpha subunit 8; plus strand). Cytogenetic location: 12q13.13.
Variant type: single nucleotide variant.
Coding change: c.2448T>C on transcript NM_001330260.2 (MANE Select); coding-DNA position 2448, T replaced by C.
Protein change: p.Gly816=; no amino-acid change (glycine 816 retained).
Molecular consequence: synonymous variant.
Genome position (GRCh38, 1-based): chr12:51,762,580, T>C. VCF-style: chr12-51762580-T-C. GRCh37 (hg19) VCF-style: chr12-52156364-T-C.
Other names: c.2448T>C, p.Gly816= (NM_001177984.3, NM_001369788.1, NM_014191.4).
Identifiers: ClinVar variation 758600 (VCV000758600.24), dbSNP rs545621709, ClinGen allele CA236315784.
Genomic context (GRCh38, chr12:51,762,580, plus strand): 5'-CACAGCGGAAATGTTCCTGAAGCTCATAGCCATGGATCCCTACTATTATTTCCAAGAAGG[T>C]TGGAACATTTTTGACGGATTTATTGTCTCCCTCAGTTTAATGGAACTGAGTCTAGCAGAC-3'
Protein context (NP_001317189.1, residues 806-826): AMDPYYYFQE[Gly816=]WNIFDGFIVS